The following is an entry in ClinVar:

ClinVar aggregate classification (germline): Uncertain significance (1 of 4 stars; one submission).

Allele frequency attached by ClinVar (database versions not stated): gnomAD 0.00001; gnomAD exomes 0.00002.
gnomAD v4.1: 15 of 1,023,998 alleles (0.0015%); highest among the groups gnomAD compares: South Asian, 0.0034%; no homozygotes.

Submission:

Labcorp Genetics (formerly Invitae), Labcorp
Classification: Uncertain significance. Last evaluated: 2024-12-29. Review status: criteria provided, single submitter. Criteria: Invitae Variant Classification Sherloc (09022015). Collection method: clinical testing. Allele origin: germline.
Comment: This sequence change falls in intron 14 of the RECQL gene. It does not directly change the encoded amino acid sequence of the RECQL protein. It affects a nucleotide within the consensus splice site. The frequency data for this variant in the population databases is considered unreliable, as metrics indicate poor data quality at this position in the gnomAD database. This variant has not been reported in the literature in individuals affected with RECQL-related conditions. ClinVar contains an entry for this variant (Variation ID: 1450685). Variants that disrupt the consensus splice site are a relatively common cause of aberrant splicing (PMID: 17576681, 9536098). Algorithms developed to predict the effect of sequence changes on RNA splicing suggest that this variant may disrupt the consensus splice site. In summary, the available evidence is currently insufficient to determine the role of this variant in disease. Therefore, it has been classified as a Variant of Uncertain Significance.

Literature cited by the submitters: PubMed 17576681; PubMed 9536098.

NM_002907.4(RECQL):c.1798-1G>A

Genes: PYROXD1 (pyridine nucleotide-disulphide oxidoreductase domain 1; plus strand), RECQL (RecQ like helicase; minus strand). Cytogenetic location: 12p12.1.
Variant type: single nucleotide variant.
Coding change: c.1798-1G>A on transcript NM_002907.4 (MANE Select); the canonical splice acceptor site of the intron before coding-DNA position 1798, G replaced by A.
Molecular consequence: splice acceptor variant. On other transcripts: 3 prime UTR variant (3).
Genome position (GRCh38, 1-based): chr12:21,470,347, C>T on the plus strand (G>A on the coding strand, the complement: RECQL is on the minus strand). VCF-style: chr12-21470347-C-T. GRCh37 (hg19) VCF-style: chr12-21623281-C-T.
Other names: c.*1593C>T (NM_001350912.2, NM_001350913.2, NM_024854.5); c.1798-1G>A (NM_032941.3).
Identifiers: ClinVar variation 1450685 (VCV001450685.8), dbSNP rs1275496741, ClinGen allele CA384114161.
Genomic context (GRCh38, chr12:21,470,347, plus strand): 5'-ATTTTTTTCCTCCATCTTTTTATCACCTTGTTCAGAATGACAAGTTTGAGACGATTCAGC[C>T]TACAAAAAAAAAAAAAAAACAAAGCAAGCACCTTGGTAAAAATCCAGCTATTCAGTTTTC-3'